The following is an entry in ClinVar:

ClinVar aggregate classification (germline): Conflicting classifications of pathogenicity. Review status: criteria provided, conflicting classifications (1 of 4 stars). 4 submissions from 4 submitters: Uncertain significance (2); Likely benign (2). Last evaluated 2025-12-14.

Conditions:
Loeys-Dietz syndrome 4 (LDS4). Also called: ANEURYSM, AORTIC AND CEREBRAL, WITH ARTERIAL TORTUOSITY AND SKELETAL MANIFESTATIONS; TGFB2-Related Loeys-Dietz Syndrome. Identifiers: MedGen C3553762, MONDO:0013897, OMIM 614816.
Familial thoracic aortic aneurysm and aortic dissection (TAAD). Also called: Thoracic aortic aneurysms and dissections. Identifiers: Orphanet 91387, MedGen C4707243, MONDO:0019625.

Allele frequency attached by ClinVar (database versions not stated): gnomAD 0.00001; gnomAD exomes 0.00002 and 0.00003; TOPMed 0.00002; ExAC 0.00005; ESP Exome Variant Server 0.00008.
gnomAD v4.1: 23 of 1,614,002 alleles (0.0014%); highest among the groups gnomAD compares: South Asian, 0.0033%; no homozygotes.

Submissions (4):

Labcorp Genetics (formerly Invitae), Labcorp
Classification: Uncertain significance for Loeys-Dietz syndrome 4. Last evaluated: 2025-12-14. Review status: criteria provided, single submitter. Criteria: Invitae Variant Classification Sherloc (09022015). Collection method: clinical testing. Allele origin: germline.
Comment: This sequence change replaces asparagine, which is neutral and polar, with serine, which is neutral and polar, at codon 143 of the TGFB2 protein (p.Asn143Ser). This variant is present in population databases (rs141548795, gnomAD 0.007%). This variant has not been reported in the literature in individuals affected with TGFB2-related conditions. ClinVar contains an entry for this variant (Variation ID: 656158). Invitae Evidence Modeling of protein sequence and biophysical properties (such as structural, functional, and spatial information, amino acid conservation, physicochemical variation, residue mobility, and thermodynamic stability) indicates that this missense variant is not expected to disrupt TGFB2 protein function with a negative predictive value of 80%. In summary, the available evidence is currently insufficient to determine the role of this variant in disease. Therefore, it has been classified as a Variant of Uncertain Significance.

Mayo Clinic Laboratories, Mayo Clinic
Classification: Uncertain significance. Last evaluated: 2025-08-01. Review status: criteria provided, single submitter. Criteria: ACMG Guidelines, 2015. Collection method: clinical testing. Allele origin: germline. Observed: 1 variant allele.
Comment: BP4

Ambry Genetics
Classification: Likely benign for Familial thoracic aortic aneurysm and aortic dissection. Last evaluated: 2024-10-30. Review status: criteria provided, single submitter. Criteria: Ambry Variant Classification Scheme 2023. Collection method: clinical testing. Allele origin: germline.

Women's Health and Genetics/Laboratory Corporation of America, LabCorp
Classification: Likely benign. Last evaluated: 2024-08-12. Review status: criteria provided, single submitter. Criteria: LabCorp Variant Classification Summary - May 2015. Collection method: clinical testing. Allele origin: germline.
Comment: Variant summary: TGFB2 c.428A>G (p.Asn143Ser) results in a conservative amino acid change located in the TGF-beta, propeptide (IPR0011111) of the encoded protein sequence. Four of five in-silico tools predict a benign effect of the variant on protein function. The variant allele was found at a frequency of 1.4e-05 in 1614002 control chromosomes. The observed variant frequency is approximately 11 fold of the estimated maximal expected allele frequency for a pathogenic variant in TGFB2 causing Aortopathy phenotype (1.3e-06) (gnomAD database v4). To our knowledge, no occurrence of c.428A>G in individuals affected with Aortopathy and no experimental evidence demonstrating its impact on protein function have been reported. ClinVar contains an entry for this variant (Variation ID: 656158). Based on the evidence outlined above, the variant was classified as likely benign.

Literature cited by the submitters: PubMed 22772371 (cited by Mayo Clinic Laboratories, Mayo Clinic).

NM_003238.6(TGFB2):c.428A>G (p.Asn143Ser)

Gene: TGFB2 (transforming growth factor beta 2; plus strand). Cytogenetic location: 1q41.
Variant type: single nucleotide variant.
Coding change: c.428A>G on transcript NM_003238.6 (MANE Select); coding-DNA position 428, A replaced by G.
Protein change: p.Asn143Ser; replaces asparagine 143 with serine.
Molecular consequence: missense variant. On other transcripts: non-coding transcript variant (2).
Genome position (GRCh38, 1-based): chr1:218,405,250, A>G. VCF-style: chr1-218405250-A-G. GRCh37 (hg19) VCF-style: chr1-218578592-A-G.
Other names: p.Asn143Ser; c.512A>G, p.Asn171Ser (NM_001135599.4); short protein forms N143S, N171S.
Identifiers: ClinVar variation 656158 (VCV000656158.14), dbSNP rs141548795, ClinGen allele CA1398455.
Genomic context (GRCh38, chr1:218,405,250, plus strand): 5'-ACAGACCCTACTTCAGAATTGTTCGATTTGACGTCTCAGCAATGGAGAAGAATGCTTCCA[A>G]TTTGGTGAAAGCAGAGTTCAGAGTCTTTCGTTTGCAGAACCCAAAAGCCAGAGTGCCTGA-3'
Protein context (NP_003229.1, residues 133-153): DVSAMEKNAS[Asn143Ser]LVKAEFRVFR